The following is an entry in ClinVar:

ClinVar aggregate classification (germline): Uncertain significance (1 of 4 stars; one submission).

Conditions:
Usher syndrome type 1 (USH1). Also called: RETINITIS PIGMENTOSA AND CONGENITAL DEAFNESS. Identifiers: Orphanet 231169, Orphanet 886, MedGen C1568247, MONDO:0010168, OMIM 276900.

Submission:

Myriad Genetics, Inc.
Classification: Uncertain significance for Usher syndrome type 1. Last evaluated: 2026-06-15. Review status: criteria provided, single submitter. Criteria: Myriad Autosomal Dominant, Autosomal Recessive and X-Linked Classification Criteria (2023). Collection method: clinical testing. Allele origin: unknown.
Comment: NM_000260.3(MYO7A):c.4814C>T(S1605F) is a missense variant classified as a variant of uncertain significance in the context of MYO7A-related disorders. S1605F has been observed in a case with relevant disease (PMID: 27460420). Relevant functional assessments of this variant are not available in the literature. S1605F has not been observed in referenced population frequency databases. In summary, there is insufficient evidence to classify NM_000260.3(MYO7A):c.4814C>T(S1605F) as pathogenic or benign. Please note: this variant was assessed in the context of healthy population screening.

Literature cited by the submitters: PubMed 27460420.

NM_000260.4(MYO7A):c.4814C>T (p.Ser1605Phe)

Gene: MYO7A (myosin VIIA; plus strand). Cytogenetic location: 11q13.5.
Variant type: single nucleotide variant.
Coding change: c.4814C>T on transcript NM_000260.4 (MANE Select); coding-DNA position 4814, C replaced by T.
Protein change: p.Ser1605Phe; replaces serine 1605 with phenylalanine.
Molecular consequence: missense variant.
Genome position (GRCh38, 1-based): chr11:77,199,780, C>T. VCF-style: chr11-77199780-C-T. GRCh37 (hg19) VCF-style: chr11-76910825-C-T.
Other names: c.4700C>T, p.Ser1567Phe (NM_001127180.2); c.4667C>T, p.Ser1556Phe (NM_001369365.1); short protein forms S1605F, S1556F, S1567F.
Identifiers: ClinVar variation 5003487 (VCV005003487.1).